The following is an entry in ClinVar:

ClinVar aggregate classification (germline): Uncertain significance. Review status: criteria provided, multiple submitters, no conflicts (2 of 4 stars). 2 submissions from 2 submitters: Uncertain significance (2). Last evaluated 2025-11-07.

Conditions:
Hermansky-Pudlak syndrome 2 (HPS2). Also called: Platelet defects and oculocutaneous albinism. Identifiers: Orphanet 183678, Orphanet 79430, MedGen C1842362, MONDO:0011997, OMIM 608233.
Inborn genetic diseases. Identifiers: MedGen C0950123, MeSH D030342.

Allele frequency attached by ClinVar (database versions not stated): gnomAD exomes below 0.00001; ExAC 0.00001; gnomAD 0.00001; TOPMed 0.00001.
gnomAD v4.1: 5 of 1,611,840 alleles (0.00031%); highest among the groups gnomAD compares: East Asian, 0.0022%; no homozygotes.

Submissions (2):

Ambry Genetics
Classification: Uncertain significance for Inborn genetic diseases. Last evaluated: 2025-11-07. Review status: criteria provided, single submitter. Criteria: Ambry Variant Classification Scheme 2023. Collection method: clinical testing. Allele origin: germline.

Labcorp Genetics (formerly Invitae), Labcorp
Classification: Uncertain significance for Hermansky-Pudlak syndrome 2. Last evaluated: 2023-11-27. Review status: criteria provided, single submitter. Criteria: Invitae Variant Classification Sherloc (09022015). Collection method: clinical testing. Allele origin: germline.
Comment: This sequence change replaces alanine, which is neutral and non-polar, with valine, which is neutral and non-polar, at codon 314 of the AP3B1 protein (p.Ala314Val). This variant is present in population databases (rs753218867, gnomAD 0.004%). This variant has not been reported in the literature in individuals affected with AP3B1-related conditions. ClinVar contains an entry for this variant (Variation ID: 1502424). An algorithm developed to predict the effect of missense changes on protein structure and function (PolyPhen-2) suggests that this variant is likely to be disruptive. In summary, the available evidence is currently insufficient to determine the role of this variant in disease. Therefore, it has been classified as a Variant of Uncertain Significance.

NM_003664.5(AP3B1):c.941C>T (p.Ala314Val)

Gene: AP3B1 (adaptor related protein complex 3 subunit beta 1; minus strand). Cytogenetic location: 5q14.1.
Variant type: single nucleotide variant.
Coding change: c.941C>T on transcript NM_003664.5 (MANE Select); coding-DNA position 941, C replaced by T.
Protein change: p.Ala314Val; replaces alanine 314 with valine.
Molecular consequence: missense variant.
Genome position (GRCh38, 1-based): chr5:78,181,508, G>A on the plus strand (C>T on the coding strand, the complement: AP3B1 is on the minus strand). VCF-style: chr5-78181508-G-A. GRCh37 (hg19) VCF-style: chr5-77477332-G-A.
Other names: c.794C>T, p.Ala265Val (NM_001271769.2); c.941C>T (NM_003664.3); short protein forms A265V, A314V.
Identifiers: ClinVar variation 1502424 (VCV001502424.5), dbSNP rs753218867, ClinGen allele CA3317257.